The following is an entry in ClinVar:

ClinVar aggregate classification (germline): Uncertain significance (1 of 4 stars; one submission).

Submission:

Labcorp Genetics (formerly Invitae), Labcorp
Classification: Uncertain significance. Last evaluated: 2023-02-21. Review status: criteria provided, single submitter. Criteria: Invitae Variant Classification Sherloc (09022015). Collection method: clinical testing. Allele origin: germline.
Comment: In summary, the available evidence is currently insufficient to determine the role of this variant in disease. Therefore, it has been classified as a Variant of Uncertain Significance. Advanced modeling of protein sequence and biophysical properties (such as structural, functional, and spatial information, amino acid conservation, physicochemical variation, residue mobility, and thermodynamic stability) performed at Invitae indicates that this missense variant is not expected to disrupt GCKR protein function. This variant has not been reported in the literature in individuals affected with GCKR-related conditions. This variant is not present in population databases (gnomAD no frequency). This sequence change replaces proline, which is neutral and non-polar, with alanine, which is neutral and non-polar, at codon 132 of the GCKR protein (p.Pro132Ala).

NM_001486.4(GCKR):c.394C>G (p.Pro132Ala)

Gene: GCKR (glucokinase regulator; plus strand). Cytogenetic location: 2p23.3.
Variant type: single nucleotide variant.
Coding change: c.394C>G on transcript NM_001486.4 (MANE Select); coding-DNA position 394, C replaced by G.
Protein change: p.Pro132Ala; replaces proline 132 with alanine.
Molecular consequence: missense variant.
Genome position (GRCh38, 1-based): chr2:27,498,763, C>G. VCF-style: chr2-27498763-C-G. GRCh37 (hg19) VCF-style: chr2-27721630-C-G.
Other names: short protein forms P132A.
Identifiers: ClinVar variation 2839496 (VCV002839496.3), dbSNP rs2466091292, ClinGen allele CA346412440.